The following is an entry in ClinVar:

NM_001018115.3(FANCD2):c.383G>A (p.Gly128Asp)

Genes: FANCD2 (FA complementation group D2; plus strand), LOC107303338 (3p25 FANCD2 Alu-mediated recombination region; plus strand). Cytogenetic location: 3p25.3.
Variant type: single nucleotide variant.
Coding change: c.383G>A on transcript NM_001018115.3 (MANE Select); coding-DNA position 383, G replaced by A.
Protein change: p.Gly128Asp; replaces glycine 128 with aspartic acid.
Molecular consequence: missense variant.
Genome position (GRCh38, 1-based): chr3:10,035,178, G>A. VCF-style: chr3-10035178-G-A. GRCh37 (hg19) VCF-style: chr3-10076862-G-A.
Other names: c.383G>A, p.Gly128Asp (NM_001319984.2, NM_001374253.1, NM_001374254.1 and 2 more transcripts); short protein forms G128D.
Identifiers: ClinVar variation 1481362 (VCV001481362.5), dbSNP rs760551106, ClinGen allele CA70022286.
Genomic context (GRCh38, chr3:10,035,178, plus strand): 5'-AAAGCATTAAAACAAGGAAAGCAAAGTGGAAAACAGATTTCTTTTTTTTTTACAGTATGG[G>A]TGCATCTTATTCTAAGAGTCTCATCAAACTGCTTCTGGGGATTGACATACTGCAGGTAAG-3'
Protein context (NP_001018125.1, residues 118-138): ERLQDEEASM[Gly128Asp]ASYSKSLIKL

ClinVar aggregate classification (germline): Uncertain significance (1 of 4 stars; one submission).

Conditions:
Fanconi anemia (FA). Also called: Fanconi's anemia. Identifiers: Orphanet 84, MedGen C0015625, MeSH D005199, MONDO:0019391.

Allele frequency attached by ClinVar (database versions not stated): gnomAD exomes below 0.00001; TOPMed below 0.00001.
gnomAD v4.1: 10 of 1,612,360 alleles (0.00062%); highest among the groups gnomAD compares: Admixed American, 0.0033%; no homozygotes.

Submission:

Labcorp Genetics (formerly Invitae), Labcorp
Classification: Uncertain significance for Fanconi anemia. Last evaluated: 2022-02-20. Review status: criteria provided, single submitter. Criteria: Invitae Variant Classification Sherloc (09022015). Collection method: clinical testing. Allele origin: germline.
Comment: This sequence change replaces glycine, which is neutral and non-polar, with aspartic acid, which is acidic and polar, at codon 128 of the FANCD2 protein (p.Gly128Asp). This variant is present in population databases (rs760551106, gnomAD no frequency). This variant has not been reported in the literature in individuals affected with FANCD2-related conditions. Algorithms developed to predict the effect of missense changes on protein structure and function are either unavailable or do not agree on the potential impact of this missense change (SIFT: "Tolerated"; PolyPhen-2: "Possibly Damaging"; Align-GVGD: "Class C0"). In summary, the available evidence is currently insufficient to determine the role of this variant in disease. Therefore, it has been classified as a Variant of Uncertain Significance.